The following is an entry in ClinVar:

ClinVar aggregate classification (germline): Uncertain significance. Review status: criteria provided, multiple submitters, no conflicts (2 of 4 stars). 2 submissions from 2 submitters: Uncertain significance (2). Last evaluated 2024-06-20.

Conditions:
LAMA2-related muscular dystrophy (LAMA2-RD). Also called: Laminin alpha 2-related dystrophy. Identifiers: MedGen C5679788, MONDO:0100228.

Allele frequency attached by ClinVar (database versions not stated): gnomAD exomes below 0.00001 and 0.00001; ExAC 0.00001; gnomAD 0.00002 and 0.00003; TOPMed 0.00002; ESP Exome Variant Server 0.00008.
gnomAD v4.1: 15 of 1,613,548 alleles (0.00093%); highest among the groups gnomAD compares: African/African-American, 0.0013%; no homozygotes.

Submissions (2):

Clinical Genomics Laboratory, Washington University in St. Louis
Classification: Uncertain significance for LAMA2-related muscular dystrophy. Last evaluated: 2024-06-20. Review status: criteria provided, single submitter. Criteria: ACMG Guidelines, 2015. Collection method: clinical testing. Allele origin: germline.
Comment: The LAMA2 c.8324C>A (p.Ala2775Glu) variant, to our knowledge, has not been reported in the medical literature. This variant has been reported in the ClinVar database as a variant of uncertain significance variant by one submitter. This variant is only observed on 2 out of 282.452 alleles in the general population (gnomAD v.2.1.1), indicating it is not a common variant. Computational predictors are uncertain as to the impact of this variant on LAMA2 function. Due to limited information, and based on ACMG/AMP guidelines for variant interpretation (Richards S et al., PMID: 25741868), the clinical significance of this variant is uncertain at this time.

Labcorp Genetics (formerly Invitae), Labcorp
Classification: Uncertain significance for LAMA2-related muscular dystrophy. Last evaluated: 2021-09-17. Review status: criteria provided, single submitter. Criteria: Invitae Variant Classification Sherloc (09022015). Collection method: clinical testing. Allele origin: germline.
Comment: This sequence change replaces alanine with glutamic acid at codon 2775 of the LAMA2 protein (p.Ala2775Glu). The alanine residue is moderately conserved and there is a moderate physicochemical difference between alanine and glutamic acid. This variant is present in population databases (rs144355650, ExAC 0.002%). This variant has been observed in individual(s) with dilated cardiomyopathy (PMID: 31983221). Advanced modeling of protein sequence and biophysical properties (such as structural, functional, and spatial information, amino acid conservation, physicochemical variation, residue mobility, and thermodynamic stability) performed at Invitae indicates that this missense variant is not expected to disrupt LAMA2 protein function. In summary, the available evidence is currently insufficient to determine the role of this variant in disease. Therefore, it has been classified as a Variant of Uncertain Significance.

Literature cited by the submitters: PubMed 31983221 (cited by Labcorp Genetics (formerly Invitae), Labcorp).

NM_000426.4(LAMA2):c.8324C>A (p.Ala2775Glu)

Genes: LAMA2 (laminin subunit alpha 2; plus strand), LOC126859784 (CDK7 strongly-dependent group 2 enhancer GRCh37_chr6:129822854-129824053; plus strand). Cytogenetic location: 6q22.33.
Variant type: single nucleotide variant.
Coding change: c.8324C>A on transcript NM_000426.4 (MANE Select); coding-DNA position 8324, C replaced by A.
Protein change: p.Ala2775Glu; replaces alanine 2775 with glutamic acid.
Molecular consequence: missense variant.
Genome position (GRCh38, 1-based): chr6:129,502,738, C>A. VCF-style: chr6-129502738-C-A. GRCh37 (hg19) VCF-style: chr6-129823883-C-A.
Other names: c.8312C>A, p.Ala2771Glu (NM_001079823.2); short protein forms A2771E, A2775E.
Identifiers: ClinVar variation 1419473 (VCV001419473.6), dbSNP rs144355650, ClinGen allele CA3994794.
Genomic context (GRCh38, chr6:129,502,738, plus strand): 5'-CAGAACCAGCTCTTTTGATAGGGAGCAAGCAGTTCGGGCTTTCAAGAAACAGTCACATTG[C>A]AATTGCATTTGATGACACCAAAGTTAAAAACCGGTATGTATCATCCTGAGACACTGGGAA-3'
Protein context (NP_000417.3, residues 2765-2785): QFGLSRNSHI[Ala2775Glu]IAFDDTKVKN